The following is an entry in ClinVar:

NC_000012.12:g.31113353_31255762dup

Gene: LOC132090103 (Neanderthal introgressed variant-containing enhancer experimental_28233; plus strand). Cytogenetic location: 12p11.21.
Variant type: Duplication.
Identifiers: ClinVar variation 157250 (VCV000157250.3).

ClinVar aggregate classification (germline): not provided (0 of 4 stars; one submission).

Conditions:
Preeclampsia. Identifiers: Orphanet 275555, MedGen C0032914, MONDO:0005081, HP:0100602.

Submission:

Institute of Molecular and Cell Biology, University of Tartu
No classification provided. Condition: Preeclampsia. Review status: no classification provided. Collection method: case-control. Allele origin: unknown. Affected: yes. Study: Kasak2014.
Comment: The study aimed to determine the contribution of copy number variants in the genetic etiology of normal and complicated pregnancies. The samples represented (i) maternal blood DNA drawn from healthy pregnant women during 1st or 2nd trimester and (ii) maternal and paternal blood DNA drawn at term pregnancy cases representing normal and complicated gestations (severe preeclampsia, PE; gestational diabetes, GD; small-for-gestational age newborn, SGA; large-for-gestational age newborn, LGA). We performed CNV calling based on genome-wide genotyping dataset (Illumina HumanOmniExpress-24-v1 BeadChip) by applying three algorithms, QuantiSNP, GADA (Genome Alteration Detection Algorithm) and CNstream in parallel. The acquired CNV calls were merged with HD-CNV (Hotspot Detector for Copy Number Variants) program and only the CNVs predicted by at least two programs, were considered in subsequent analysis.

Literature cited by the submitters: PubMed 25666259.